The following is an entry in ClinVar:

ClinVar aggregate classification (germline): Likely benign. Review status: criteria provided, multiple submitters, no conflicts (2 of 4 stars). 3 submissions from 3 submitters: Likely benign (3). Last evaluated 2024-11-27.

Conditions:
Inborn genetic diseases. Identifiers: MedGen C0950123, MeSH D030342.
Charcot-Marie-Tooth disease axonal type 2S. Also called: CHARCOT-MARIE-TOOTH NEUROPATHY, TYPE 2S; CHARCOT-MARIE-TOOTH DISEASE, AXONAL, AUTOSOMAL RECESSIVE, TYPE 2S. Identifiers: Orphanet 443073, MedGen C4015349, MONDO:0014511, OMIM 616155.
Autosomal recessive distal spinal muscular atrophy 1. Also called: SEVERE INFANTILE AXONAL NEUROPATHY WITH RESPIRATORY FAILURE; SPINAL MUSCULAR ATROPHY, DIAPHRAGMATIC; NEURONOPATHY, DISTAL HEREDITARY MOTOR, HARDING TYPE VI; NEUROPATHY, DISTAL HEREDITARY MOTOR, AUTOSOMAL RECESSIVE 1; HMN VI; NEURONOPATHY, SEVERE INFANTILE AXONAL, WITH RESPIRATORY FAILURE. Identifiers: Orphanet 98920, MedGen C1858517, MONDO:0011436, OMIM 604320.

Allele frequency attached by ClinVar (database versions not stated): gnomAD exomes 0.00001 and 0.00002; ExAC 0.00002; gnomAD 0.00002; TOPMed 0.00003.
gnomAD v4.1: 13 of 1,612,846 alleles (0.00081%); highest among the groups gnomAD compares: African/African-American, 0.0053%; no homozygotes.

Submissions (3):

Labcorp Genetics (formerly Invitae), Labcorp
Classification: Likely benign for Autosomal recessive distal spinal muscular atrophy 1; Charcot-Marie-Tooth disease axonal type 2S. Last evaluated: 2024-11-27. Review status: criteria provided, single submitter. Criteria: Invitae Variant Classification Sherloc (09022015). Collection method: clinical testing. Allele origin: germline.

Ambry Genetics
Classification: Likely benign for Inborn genetic diseases. Last evaluated: 2019-07-11. Review status: criteria provided, single submitter. Criteria: Ambry Variant Classification Scheme 2023. Collection method: clinical testing. Allele origin: germline.

ARUP Laboratories, Molecular Genetics and Genomics, ARUP Laboratories
Classification: Likely benign. Last evaluated: 2018-03-07. Review status: criteria provided, single submitter. Criteria: ARUP Molecular Germline Variant Investigation Process. Collection method: clinical testing. Allele origin: germline.
Comment: The c.1071C>T; p.Ala357Ala variant (rs755300047) does not alter the amino acid sequence of the IGHMBP2 protein and computational splice site prediction algorithms do not predict a change in the nearest splice site or creation of a cryptic splice site. This variant has not been reported in association with CMT or neuropathy in medical literature or in gene specific variation databases. This variant is listed in the genome Aggregation Database (gnomAD) with an overall population frequency of 0.002% (identified on 4 out of 245,292 chromosomes). Based on the available information, the c.1071C>T variant is likely to be benign.

NM_002180.3(IGHMBP2):c.1071C>T (p.Ala357=)

Gene: IGHMBP2 (immunoglobulin mu DNA binding protein 2; plus strand). Cytogenetic location: 11q13.3.
Variant type: single nucleotide variant.
Coding change: c.1071C>T on transcript NM_002180.3 (MANE Select); coding-DNA position 1071, C replaced by T.
Protein change: p.Ala357=; no amino-acid change (alanine 357 retained).
Molecular consequence: synonymous variant.
Genome position (GRCh38, 1-based): chr11:68,929,193, C>T. VCF-style: chr11-68929193-C-T. GRCh37 (hg19) VCF-style: chr11-68696661-C-T.
Identifiers: ClinVar variation 618178 (VCV000618178.19), dbSNP rs755300047, ClinGen allele CA6153516.